The following is an entry in ClinVar:

ClinVar aggregate classification (germline): Pathogenic (1 of 4 stars; one submission).

Conditions:
Hereditary cancer-predisposing syndrome. Also called: Tumor predisposition; Hereditary Cancer Syndrome; Hereditary neoplastic syndrome; Neoplastic Syndromes, Hereditary. Identifiers: Orphanet 140162, MedGen C0027672, MeSH D009386, MONDO:0015356.

Submission:

Ambry Genetics
Classification: Pathogenic for Hereditary cancer-predisposing syndrome. Last evaluated: 2024-04-25. Review status: criteria provided, single submitter. Criteria: Ambry Variant Classification Scheme 2023. Collection method: clinical testing. Allele origin: germline.
Comment: The c.199_203delGATTT pathogenic mutation, located in coding exon 2 of the APC gene, results from a deletion of 5 nucleotides at nucleotide positions 199 to 203, causing a translational frameshift with a predicted alternate stop codon (p.D67Ifs*5). This variant is considered to be rare based on population cohorts in the Genome Aggregation Database (gnomAD). This alteration is expected to result in loss of function by premature protein truncation or nonsense-mediated mRNA decay. As such, this alteration is interpreted as a disease-causing mutation. However, alterations that result in premature termination in coding exon 2 are associated with an attenuated phenotype and may have reduced penetrance compared to classic familial adenomatous polyposis syndrome. Clinical correlation is advised.

NM_000038.6(APC):c.199_203del (p.Asp67fs)

Gene: APC (APC regulator of Wnt signaling pathway; plus strand). Cytogenetic location: 5q22.2.
Variant type: Deletion.
Coding change: c.199_203del on transcript NM_000038.6 (MANE Select); coding-DNA positions 199 to 203, 5 bases deleted (GATTT; older notation c.199_203delGATTT).
Protein change: p.Asp67fs; shifts the reading frame from aspartic acid 67.
Molecular consequence: frameshift variant. On other transcripts: 5 prime UTR variant (4), non-coding transcript variant (2).
Genome position (GRCh38, 1-based): chr5:112,766,389-112,766,393, GATTT deleted; deleting any 5 consecutive bases within chr5:112,766,387-112,766,393 gives the same sequence; the c. name uses the placement nearest the transcript's 3' end. VCF-style (leftmost placement, unchanged base first): chr5-112766386-ATTGAT-A. GRCh37 (hg19) VCF-style: chr5-112102083-ATTGAT-A.
Other names: c.199_203del, p.Asp67fs (NM_001407469.1, NM_001354895.2, NM_001354896.2 and 16 more transcripts); c.-837_-833del (NM_001407470.1, NM_001407471.1, NM_001407472.1 and 1 more transcripts); c.229_233del, p.Asp77fs (NM_001127511.3, NM_001354897.2, NM_001354902.2 and 1 more transcripts); c.124_128del, p.Asp42fs (NM_001354898.2, NM_001354904.2, NM_001407451.1); c.22_26del, p.Asp8fs (NM_001354900.2, NM_001354901.2, NM_001354905.2 and 1 more transcripts); short protein forms D42fs, D67fs, D77fs, D8fs.
Identifiers: ClinVar variation 3304599 (VCV003304599.1).